The following is an entry in ClinVar:

ClinVar aggregate classification (germline): Conflicting classifications of pathogenicity. Review status: criteria provided, conflicting classifications (1 of 4 stars). 5 submissions from 5 submitters: Pathogenic (1); Likely pathogenic (2); Uncertain significance (2). Last evaluated 2026-06-15.

Conditions:
Bardet-Biedl syndrome 1 (BBS1). Identifiers: MedGen C2936862, MONDO:0008854, OMIM 209900. Disease mechanism: loss of function.
Bardet-Biedl syndrome (BBS). Identifiers: Orphanet 110, MedGen C0752166, MONDO:0015229.

Allele frequency attached by ClinVar (database versions not stated): ExAC 0.00001; gnomAD exomes 0.00001 and below 0.00001; gnomAD 0.00001; ESP Exome Variant Server 0.00008; TOPMed 0.00001.
gnomAD v4.1: 6 of 1,613,908 alleles (0.00037%); highest among the groups gnomAD compares: South Asian, 0.0022%; no homozygotes.

Submissions (5):

Myriad Genetics, Inc.
Classification: Likely pathogenic for Bardet-Biedl syndrome 1. Last evaluated: 2026-06-15. Review status: criteria provided, single submitter. Criteria: Myriad Autosomal Dominant, Autosomal Recessive and X-Linked Classification Criteria (2023). Collection method: clinical testing. Allele origin: unknown.
Comment: NM_024649.4(BBS1):c.890G>A(R297Q) is a missense variant classified as likely pathogenic in the context of Bardet-Biedl syndrome, BBS1-related. R297Q has been observed in cases with relevant disease (PMID: 25170860, 35886001, 33046855, 41219488). Relevant functional assessments of this variant are not available in the literature. R297Q has been observed in referenced population frequency databases. In summary, NM_024649.4(BBS1):c.890G>A(R297Q) is a missense variant that has been observed more frequently in cases with the relevant disease than in healthy populations. Please note: this variant was assessed in the context of healthy population screening.

Labcorp Genetics (formerly Invitae), Labcorp
Classification: Pathogenic for Bardet-Biedl syndrome. Last evaluated: 2025-12-03. Review status: criteria provided, single submitter. Criteria: Invitae Variant Classification Sherloc (09022015). Collection method: clinical testing. Allele origin: germline.
Comment: This sequence change replaces arginine, which is basic and polar, with glutamine, which is neutral and polar, at codon 297 of the BBS1 protein (p.Arg297Gln). This variant is present in population databases (rs372092113, gnomAD 0.0009%). This missense change has been observed in individual(s) with clinical features of Bardet-Biedl syndrome (PMID: 25170860, 35886001; internal data). In at least one individual the data is consistent with being in trans (on the opposite chromosome) from a pathogenic variant. ClinVar contains an entry for this variant (Variation ID: 1377074). An algorithm developed to predict the effect of missense changes on protein structure and function outputs the following: PolyPhen-2: "Benign". The glutamine amino acid residue is found in multiple mammalian species, which suggests that this missense change does not adversely affect protein function. Algorithms developed to predict the effect of sequence changes on RNA splicing suggest that this variant may disrupt the consensus splice site. For these reasons, this variant has been classified as Pathogenic.

Women's Health and Genetics/Laboratory Corporation of America, LabCorp
Classification: Uncertain significance. Last evaluated: 2025-06-24. Review status: criteria provided, single submitter. Criteria: LabCorp Variant Classification Summary - May 2015. Collection method: clinical testing. Allele origin: germline.
Comment: Variant summary: BBS1 c.890G>A (p.Arg297Gln) results in a conservative amino acid change in the encoded protein sequence. Algorithms developed to predict the effect of missense changes on protein structure and function are either unavailable or do not agree on the potential impact of this missense change. The variant allele was found at a frequency of 4e-06 in 251476 control chromosomes (gnomAD). c.890G>A has been observed in individuals affected with Bardet-Biedl Syndrome (Denniston_2014, Nasser_2022, Labcorp (formerly Invitae)). These data indicate that the variant may be associated with disease. To our knowledge, no experimental evidence demonstrating an impact on protein function has been reported. The following publications have been ascertained in the context of this evaluation (PMID: 25170860, 35886001). ClinVar contains an entry for this variant (Variation ID: 1377074). Based on the evidence outlined above, the variant was classified as VUS-possibly pathogenic.

Blueprint Genetics
Classification: Uncertain significance. Last evaluated: 2024-09-19. Review status: criteria provided, single submitter. Criteria: ACMG Guidelines, 2015. Collection method: clinical testing. Allele origin: germline.

Fulgent Genetics
Classification: Likely pathogenic for Bardet-Biedl syndrome 1. Last evaluated: 2024-01-07. Review status: criteria provided, single submitter. Criteria: ACMG Guidelines, 2015. Collection method: clinical testing. Allele origin: germline.

Literature cited by the submitters: PubMed 25170860 (cited by 3 submitters); PubMed 33046855 (cited by Myriad Genetics, Inc.); PubMed 35886001 (cited by 3 submitters); PubMed 41219488 (cited by Myriad Genetics, Inc.).

NM_024649.5(BBS1):c.890G>A (p.Arg297Gln)

Genes: BBS1 (Bardet-Biedl syndrome 1; plus strand), ZDHHC24 (zDHHC palmitoyltransferase 24; minus strand). Cytogenetic location: 11q13.2.
Variant type: single nucleotide variant.
Coding change: c.890G>A on transcript NM_024649.5 (MANE Select); coding-DNA position 890, G replaced by A.
Protein change: p.Arg297Gln; replaces arginine 297 with glutamine.
Molecular consequence: missense variant. On other transcripts: intron variant (1).
Genome position (GRCh38, 1-based): chr11:66,523,515, G>A. VCF-style: chr11-66523515-G-A. GRCh37 (hg19) VCF-style: chr11-66290986-G-A.
Other names: c.*22-2049C>T (NM_001348571.2); short protein forms R297Q.
Identifiers: ClinVar variation 1377074 (VCV001377074.10), dbSNP rs372092113, ClinGen allele CA6123543.